The following is an entry in ClinVar:

NM_153676.4(USH1C):c.658C>T (p.Arg220Ter)

Gene: USH1C (USH1 protein network component harmonin; minus strand). Cytogenetic location: 11p15.1.
Variant type: single nucleotide variant.
Coding change: c.658C>T on transcript NM_153676.4 (MANE Select); coding-DNA position 658, C replaced by T.
Protein change: p.Arg220Ter; replaces arginine 220 with a stop codon.
Molecular consequence: nonsense. On other transcripts: non-coding transcript variant (1).
Genome position (GRCh38, 1-based): chr11:17,526,363, G>A on the plus strand (C>T on the coding strand, the complement: USH1C is on the minus strand). VCF-style: chr11-17526363-G-A. GRCh37 (hg19) VCF-style: chr11-17547910-G-A.
Other names: c.658C>T (NM_005709.3); c.658C>T, p.Arg220Ter (NM_001297764.2, NM_005709.4); short protein forms R220*.
Identifiers: ClinVar variation 1426729 (VCV001426729.11), dbSNP rs766327614, ClinGen allele CA5904933.

ClinVar aggregate classification (germline): Pathogenic/Likely pathogenic. Review status: criteria provided, multiple submitters, no conflicts (2 of 4 stars). 5 submissions from 5 submitters: Pathogenic (3); Likely pathogenic (2). Last evaluated 2025-08-05.

Conditions:
Usher syndrome type 1C. Also called: USHER SYNDROME, TYPE I, ACADIAN VARIETY. Identifiers: Orphanet 231169, Orphanet 886, MedGen C1848604, MONDO:0010171, OMIM 276904.
Autosomal recessive nonsyndromic hearing loss 18A. Also called: Deafness, autosomal recessive 18A; DEAFNESS, AUTOSOMAL RECESSIVE 18. Identifiers: Orphanet 90636, MedGen C1865870, MONDO:0011192, OMIM 602092.
Usher syndrome type 1 (USH1). Also called: RETINITIS PIGMENTOSA AND CONGENITAL DEAFNESS. Identifiers: Orphanet 231169, Orphanet 886, MedGen C1568247, MONDO:0010168, OMIM 276900.

Allele frequency attached by ClinVar (database versions not stated): TOPMed below 0.00001; ExAC 0.00001; gnomAD 0.00001; gnomAD exomes 0.00001.
gnomAD v4.1: 16 of 1,613,660 alleles (0.00099%); highest among the groups gnomAD compares: Admixed American, 0.005%; no homozygotes.

Submissions (5):

Natera, Inc.
Classification: Pathogenic for Usher syndrome type 1C. Last evaluated: 2025-08-05. Review status: criteria provided, single submitter. Criteria: Natera Variant Classification Schema (03/2026). Collection method: clinical testing. Allele origin: germline.
Comment: The c.658C>T variant in USH1C is a nonsense variant predicted to introduce a stop codon at amino acid 220. This variant is expected to result in nonsense mediated decay, truncation, or a dysfunctional protein product. This variant is rare in the general population with a frequency below the threshold expected for the associated phenotype(s). This variant has been observed in one or more individuals affected with the associated recessive disease, as either homozygous or compound heterozygous with a second variant (PMID: 36011334). Given the available evidence, this variant is classified as Pathogenic.

Baylor Genetics
Classification: Likely pathogenic for Autosomal recessive nonsyndromic hearing loss 18A. Last evaluated: 2024-03-24. Review status: criteria provided, single submitter. Criteria: ACMG Guidelines, 2015. Collection method: clinical testing. Allele origin: unknown.

Fulgent Genetics
Classification: Pathogenic for Usher syndrome type 1C; Autosomal recessive nonsyndromic hearing loss 18A. Last evaluated: 2024-01-05. Review status: criteria provided, single submitter. Criteria: ACMG Guidelines, 2015. Collection method: clinical testing. Allele origin: germline.

Labcorp Genetics (formerly Invitae), Labcorp
Classification: Pathogenic. Last evaluated: 2024-01-05. Review status: criteria provided, single submitter. Criteria: Invitae Variant Classification Sherloc (09022015). Collection method: clinical testing. Allele origin: germline.
Comment: This sequence change creates a premature translational stop signal (p.Arg220*) in the USH1C gene. It is expected to result in an absent or disrupted protein product. Loss-of-function variants in USH1C are known to be pathogenic (PMID: 10973247, 17407589, 20301442, 21203349). This variant is present in population databases (rs766327614, gnomAD 0.009%). This variant has not been reported in the literature in individuals affected with USH1C-related conditions. ClinVar contains an entry for this variant (Variation ID: 1426729). For these reasons, this variant has been classified as Pathogenic.

Department of Pathology and Laboratory Medicine, Sinai Health System
Classification: Likely pathogenic for Usher syndrome type 1; Usher syndrome type 1C; Autosomal recessive nonsyndromic hearing loss 18A. Last evaluated: 2023-09-18. Review status: criteria provided, single submitter. Criteria: ACMG Guidelines, 2015. Collection method: research. Allele origin: germline.

Literature cited by the submitters: PubMed 36011334 (cited by Natera, Inc.); PubMed 10973247 (cited by Labcorp Genetics (formerly Invitae), Labcorp); PubMed 17407589 (cited by Labcorp Genetics (formerly Invitae), Labcorp); PubMed 20301442 (cited by Labcorp Genetics (formerly Invitae), Labcorp); PubMed 21203349 (cited by Labcorp Genetics (formerly Invitae), Labcorp).